The following is an entry in ClinVar:

ClinVar aggregate classification (germline): Uncertain significance. Review status: criteria provided, single submitter (1 of 4 stars). 2 submissions from 2 submitters: Uncertain significance (1). 1 of the submissions does not count toward it. Last evaluated 2016-10-24.

Conditions:
VIPAS39-related disorder. Also called: VIPAS39-related condition.

Allele frequency attached by ClinVar (database versions not stated): gnomAD exomes below 0.00001; ExAC 0.00002; gnomAD 0.00002; TOPMed 0.00004.
gnomAD v4.1: 4 of 1,613,904 alleles (0.00025%); highest among the groups gnomAD compares: African/African-American, 0.0053%; no homozygotes.

Submissions (2):

Eurofins Ntd Llc (ga)
Classification: Uncertain significance. Last evaluated: 2016-10-24. Review status: criteria provided, single submitter. Criteria: EGL Classification Definitions 2015. Collection method: clinical testing. Allele origin: germline. Observed: 1 variant allele, 1 heterozygote.

PreventionGenetics, part of Exact Sciences
Classification: Likely benign for VIPAS39-related condition. Last evaluated: 2023-07-07. Review status: no assertion criteria provided. Collection method: clinical testing. Allele origin: germline. Not counted in ClinVar's aggregate classification.
Comment: This variant is classified as likely benign based on ACMG/AMP sequence variant interpretation guidelines (Richards et al. 2015 PMID: 25741868, with internal and published modifications).

NM_001193315.2(VIPAS39):c.1005A>T (p.Thr335=)

Gene: VIPAS39 (VPS33B interacting protein, apical-basolateral polarity regulator, spe-39 homolog; minus strand). Cytogenetic location: 14q24.3.
Variant type: single nucleotide variant.
Coding change: c.1005A>T on transcript NM_001193315.2 (MANE Select); coding-DNA position 1005, A replaced by T.
Protein change: p.Thr335=; no amino-acid change (threonine 335 retained).
Molecular consequence: synonymous variant.
Genome position (GRCh38, 1-based): chr14:77,435,301, T>A on the plus strand (A>T on the coding strand, the complement: VIPAS39 is on the minus strand). VCF-style: chr14-77435301-T-A. GRCh37 (hg19) VCF-style: chr14-77901644-T-A.
Other names: c.1005A>T, p.Thr335= (NM_001193314.2, NM_001193317.2, NM_022067.4); c.858A>T, p.Thr286= (NM_001193316.2); c.1005A>T (NM_022067.3).
Identifiers: ClinVar variation 498143 (VCV000498143.7), dbSNP rs765454382, ClinGen allele CA7287868.